The following is an entry in ClinVar:

NM_001199799.2(ILDR1):c.1227T>C (p.Asn409=)

Gene: ILDR1 (immunoglobulin like domain containing receptor 1; minus strand). Cytogenetic location: 3q13.33.
Variant type: single nucleotide variant.
Coding change: c.1227T>C on transcript NM_001199799.2 (MANE Select); coding-DNA position 1227, T replaced by C.
Protein change: p.Asn409=; no amino-acid change (asparagine 409 retained).
Molecular consequence: synonymous variant.
Genome position (GRCh38, 1-based): chr3:121,993,522, A>G on the plus strand (T>C on the coding strand, the complement: ILDR1 is on the minus strand). VCF-style: chr3-121993522-A-G. GRCh37 (hg19) VCF-style: chr3-121712369-A-G.
Other names: c.960T>C, p.Asn320= (NM_001199800.2); c.1095T>C, p.Asn365= (NM_175924.4).
Identifiers: ClinVar variation 1181111 (VCV001181111.33), dbSNP rs148486121, ClinGen allele CA2568735.

ClinVar aggregate classification (germline): Likely benign. Review status: criteria provided, multiple submitters, no conflicts (2 of 4 stars). 4 submissions from 4 submitters: Likely benign (4). Last evaluated 2026-06-01.

Conditions:
ILDR1-related disorder. Also called: ILDR1-related condition.

Allele frequency attached by ClinVar (database versions not stated): ESP Exome Variant Server 0.00008; 1000 Genomes Project 0.00020; ExAC 0.00027; 1000 Genomes Project 30x 0.00031; gnomAD 0.00031; TOPMed 0.00036.
gnomAD v4.1: 413 of 1,614,202 alleles (0.026%); highest among the groups gnomAD compares: Admixed American, 0.1%; no homozygotes.

Submissions (4):

CeGaT Center for Human Genetics Tuebingen
Classification: Likely benign. Last evaluated: 2026-06-01. Review status: criteria provided, single submitter. Criteria: CeGaT Center For Human Genetics Tuebingen Variant Classification Criteria Version 2. Collection method: clinical testing. Allele origin: germline. Affected: yes. Observed: 2 variant alleles.
Comment: ILDR1: BP4, BP7

Labcorp Genetics (formerly Invitae), Labcorp
Classification: Likely benign. Last evaluated: 2025-12-08. Review status: criteria provided, single submitter. Criteria: Invitae Variant Classification Sherloc (09022015). Collection method: clinical testing. Allele origin: germline.

PreventionGenetics, part of Exact Sciences
Classification: Likely benign for ILDR1-related condition. Last evaluated: 2025-06-19. Review status: criteria provided, single submitter. Criteria: ACMG Guidelines, 2015. Collection method: clinical testing. Allele origin: germline.
Comment: This variant is classified as likely benign based on ACMG/AMP sequence variant interpretation guidelines (Richards et al. 2015 PMID: 25741868, with internal and published modifications).

GeneDx
Classification: Likely benign. Last evaluated: 2020-05-12. Review status: criteria provided, single submitter. Criteria: GeneDx Variant Classification Process June 2021. Collection method: clinical testing. Allele origin: germline. Affected: yes.